The following is an entry in ClinVar:

NM_001384140.1(PCDH15):c.3501+2T>C

Gene: PCDH15 (protocadherin related 15; minus strand). Cytogenetic location: 10q21.1.
Variant type: single nucleotide variant.
Coding change: c.3501+2T>C on transcript NM_001384140.1 (MANE Select); the canonical splice donor site of the intron after coding-DNA position 3501, T replaced by C.
Molecular consequence: splice donor variant.
Genome position (GRCh38, 1-based): chr10:53,903,241, A>G on the plus strand (T>C on the coding strand, the complement: PCDH15 is on the minus strand). VCF-style: chr10-53903241-A-G. GRCh37 (hg19) VCF-style: chr10-55663001-A-G.
Other names: c.3435+2T>C (NM_001142768.2, NM_001354404.2, NM_001142773.2); c.3390+2T>C (NM_001142767.2); c.3288+2T>C (NM_001142765.2); c.3501+2T>C (NM_001142766.2, NM_033056.4, NM_001142764.2 and 4 more transcripts); c.3516+2T>C (NM_001142763.2, NM_001142771.2); c.3522+2T>C (NM_001354411.2); c.3537+2T>C (NM_001142769.3).
Identifiers: ClinVar variation 1065906 (VCV001065906.9), dbSNP rs757418440, ClinGen allele CA5505654.

ClinVar aggregate classification (germline): Pathogenic/Likely pathogenic. Review status: criteria provided, multiple submitters, no conflicts (2 of 4 stars). 2 submissions from 2 submitters: Pathogenic (1); Likely pathogenic (1). Last evaluated 2023-01-24.

Conditions:
Usher syndrome type 1F (USH1F). Also called: USHER SYNDROME, TYPE IF. Identifiers: Orphanet 231169, Orphanet 886, MedGen C1865885, MONDO:0011186, OMIM 602083.

Allele frequency attached by ClinVar (database versions not stated): gnomAD exomes below 0.00001; ExAC 0.00001.
gnomAD v4.1: 4 of 1,612,666 alleles (0.00025%); highest among the groups gnomAD compares: Non-Finnish European, 0.00034%; no homozygotes.

Submissions (2):

Broad Center for Mendelian Genomics, Broad Institute of MIT and Harvard
Classification: Pathogenic for Usher syndrome type 1F. Last evaluated: 2023-01-24. Review status: criteria provided, single submitter. Criteria: ACMG Guidelines, 2015. Collection method: curation. Allele origin: germline. Inheritance: Autosomal recessive inheritance.
Comment: The c.3501+2T>C variant in PCDH15 has been reported in 1 individual, in the homozygous state, with Usher syndrome type 1F (PMID: 22135276) and has been identified in 0.0009% (1/113472) of European (non-Finnish) chromosomes by the Genome Aggregation Database (gnomAD; dbSNP ID: rs757418440). Although this variant has been seen in the general population in a heterozygous state, its frequency is low enough to be consistent with a recessive carrier frequency. This variant has also been reported in ClinVar (Variation ID#: 1065906) and has been interpreted as likely pathogenic by Invitae. This variant is located in the 3' splice region. Computational tools predict a splicing impact through exon skipping, though this information is not predictive enough to determine pathogenicity. In summary, this variant meets criteria to be classified as pathogenic for autosomal recessive Usher syndrome type 1F. ACMG/AMP Criteria applied: PM2_supporting, PVS1, PM3_supporting (Richards 2015).

Labcorp Genetics (formerly Invitae), Labcorp
Classification: Likely pathogenic. Last evaluated: 2020-02-29. Review status: criteria provided, single submitter. Criteria: Invitae Variant Classification Sherloc (09022015). Collection method: clinical testing. Allele origin: germline.
Comment: Algorithms developed to predict the effect of sequence changes on RNA splicing suggest that this variant may disrupt the consensus splice site, but this prediction has not been confirmed by published transcriptional studies. This variant has been observed in individual(s) with Usher syndrome (PMID: 22135276). This variant is present in population databases (rs757418440, ExAC 0.002%). This sequence change affects a donor splice site in intron 26 of the PCDH15 gene. It is expected to disrupt RNA splicing and likely results in an absent or disrupted protein product. Donor and acceptor splice site variants typically lead to a loss of protein function (PMID: 16199547), and loss-of-function variants in PCDH15 are known to be pathogenic (PMID: 11398101, 11487575, 14570705). In summary, the currently available evidence indicates that the variant is pathogenic, but additional data are needed to prove that conclusively. Therefore, this variant has been classified as Likely Pathogenic.

Literature cited by the submitters: PubMed 22135276 (cited by Labcorp Genetics (formerly Invitae), Labcorp); PubMed 16199547 (cited by Labcorp Genetics (formerly Invitae), Labcorp); PubMed 11398101 (cited by Labcorp Genetics (formerly Invitae), Labcorp); PubMed 11487575 (cited by Labcorp Genetics (formerly Invitae), Labcorp); PubMed 14570705 (cited by Labcorp Genetics (formerly Invitae), Labcorp).